The following is an entry in ClinVar:

ClinVar aggregate classification (germline): Uncertain significance (1 of 4 stars; one submission).

Conditions:
Ataxia-telangiectasia syndrome (AT). Also called: Ataxia-telangiectasia, complementation group D; AT, COMPLEMENTATION GROUP C; ATAXIA-TELANGIECTASIA, COMPLEMENTATION GROUP A; ATAXIA-TELANGIECTASIA, FRESNO VARIANT; Ataxia-telangiectasia, complementation group E; LOUIS-BAR SYNDROME. Identifiers: Orphanet 100, MedGen C0004135, MONDO:0008840, OMIM 208900.

Submission:

Labcorp Genetics (formerly Invitae), Labcorp
Classification: Uncertain significance for Ataxia-telangiectasia syndrome. Last evaluated: 2022-06-12. Review status: criteria provided, single submitter. Criteria: Invitae Variant Classification Sherloc (09022015). Collection method: clinical testing. Allele origin: germline.
Comment: In summary, the available evidence is currently insufficient to determine the role of this variant in disease. Therefore, it has been classified as a Variant of Uncertain Significance. Algorithms developed to predict the effect of missense changes on protein structure and function are either unavailable or do not agree on the potential impact of this missense change (SIFT: "Tolerated"; PolyPhen-2: "Possibly Damaging"; Align-GVGD: "Class C0"). This variant has not been reported in the literature in individuals affected with ATM-related conditions. This variant is not present in population databases (gnomAD no frequency). This sequence change replaces alanine, which is neutral and non-polar, with proline, which is neutral and non-polar, at codon 2693 of the ATM protein (p.Ala2693Pro).

NM_000051.4(ATM):c.8077G>C (p.Ala2693Pro)

Genes: ATM (ATM serine/threonine kinase; plus strand), C11orf65 (chromosome 11 open reading frame 65; minus strand). Cytogenetic location: 11q22.3.
Variant type: single nucleotide variant.
Coding change: c.8077G>C on transcript NM_000051.4 (MANE Select); coding-DNA position 8077, G replaced by C.
Protein change: p.Ala2693Pro; replaces alanine 2693 with proline.
Molecular consequence: missense variant. On other transcripts: intron variant (2).
Genome position (GRCh38, 1-based): chr11:108,335,035, G>C. VCF-style: chr11-108335035-G-C. GRCh37 (hg19) VCF-style: chr11-108205762-G-C.
Other names: c.*38+185C>G (NM_001351110.2); c.8077G>C, p.Ala2693Pro (NM_001351834.2); c.641-25964C>G (NM_001330368.2); short protein forms A2693P.
Identifiers: ClinVar variation 2005244 (VCV002005244.4), dbSNP rs2086679024, ClinGen allele CA382562019.
Genomic context (GRCh38, chr11:108,335,035, plus strand): 5'-CACACAGGAGAATATGGAAATCTGGTGACTATACAGTCATTTAAAGCAGAATTTCGCTTA[G>C]CAGGAGGTGTAAATTTACCAAAAATAATAGATTGTGTAGGTTCCGATGGCAAGGAGAGGA-3'
Protein context (NP_000042.3, residues 2683-2703): IQSFKAEFRL[Ala2693Pro]GGVNLPKIID